The following is an entry in ClinVar:

NM_004100.5(EYA4):c.*2359C>T

Genes: TARID (TCF21 antisense RNA inducing promoter demethylation; minus strand), EYA4 (EYA transcriptional coactivator and phosphatase 4; plus strand). Cytogenetic location: 6q23.2.
Variant type: single nucleotide variant.
Coding change: c.*2359C>T on transcript NM_004100.5 (MANE Select); 2359 bases downstream of the stop codon, C replaced by T.
Molecular consequence: 3 prime UTR variant.
Genome position (GRCh38, 1-based): chr6:133,531,164, C>T. VCF-style: chr6-133531164-C-T. GRCh37 (hg19) VCF-style: chr6-133852302-C-T.
Other names: c.*2359C>T (NM_001301012.2, NM_001301013.2, NM_001370458.1 and 3 more transcripts).
Identifiers: ClinVar variation 355468 (VCV000355468.5), dbSNP rs547907467, ClinGen allele CA4008531.
Genomic context (GRCh38, chr6:133,531,164, plus strand): 5'-TGGGTGCAGAAAGAAACACCCCTTGGAAGGGCAAAGAGAAGCCGGCTGGTTGCATCACCC[C>T]GTGCAGTTTCTCACACACATCTCTTTTTCTGATTCTGTGTTCAGAAGAGGCTGCCGGCAT-3'

ClinVar aggregate classification (germline): Conflicting classifications of pathogenicity. Review status: criteria provided, conflicting classifications (1 of 4 stars). 2 submissions from 1 submitter: Uncertain significance (1); Likely benign (1). Last evaluated 2018-01-12.

Conditions:
Dilated cardiomyopathy 1J (CMD1J). Also called: CARDIOMYOPATHY, DILATED, WITH SENSORINEURAL HEARING LOSS, AUTOSOMAL DOMINANT. Identifiers: Orphanet 217622, MedGen C1854368, MONDO:0011541, OMIM 605362.
Autosomal dominant nonsyndromic hearing loss 10. Identifiers: Orphanet 90635, MedGen C1832476, MONDO:0011031, OMIM 601316.

Allele frequency attached by ClinVar (database versions not stated): TOPMed 0.00002; gnomAD 0.00004 and 0.00013; gnomAD exomes 0.00016 and 0.00038; 1000 Genomes Project 0.00060; 1000 Genomes Project 30x 0.00078; ExAC 0.00199.
gnomAD v4.1: 239 of 1,534,212 alleles (0.016%); highest among the groups gnomAD compares: South Asian, 0.23%; 2 homozygotes.

Submissions (2):

Illumina Laboratory Services, Illumina
Classification: Likely benign for Autosomal dominant nonsyndromic hearing loss 10. Last evaluated: 2018-01-12. Review status: criteria provided, single submitter. Criteria: ICSL Variant Classification Criteria 13 December 2019. Collection method: clinical testing. Allele origin: germline.
Comment: This variant was observed in the ICSL laboratory as part of a predisposition screen in an ostensibly healthy population. It had not been previously curated by ICSL or reported in the Human Gene Mutation Database (HGMD: prior to June 1st, 2018), and was therefore a candidate for classification through an automated scoring system. Utilizing variant allele frequency, disease prevalence and penetrance estimates, and inheritance mode, an automated score was calculated to assess if this variant is too frequent to cause the disease. Based on the score and internal cut-off values, a variant classified as likely benign is not then subjected to further curation. The score for this variant resulted in a classification of likely benign for this disease.

Illumina Laboratory Services, Illumina
Classification: Uncertain significance for Dilated cardiomyopathy 1J. Last evaluated: 2018-01-12. Review status: criteria provided, single submitter. Criteria: ICSL Variant Classification Criteria 13 December 2019. Collection method: clinical testing. Allele origin: germline.